The following is an entry in ClinVar:

ClinVar aggregate classification (germline): Likely benign (0 of 4 stars; one submission).

Conditions:
MMP1-related disorder. Also called: MMP1-related condition.

Allele frequency attached by ClinVar (database versions not stated): 1000 Genomes Project 0.00120; 1000 Genomes Project 30x 0.00125; ESP Exome Variant Server 0.00169.

Submission:

PreventionGenetics, part of Exact Sciences
Classification: Likely benign for MMP1-related condition. Last evaluated: 2019-06-05. Review status: no assertion criteria provided. Collection method: clinical testing. Allele origin: germline.
Comment: This variant is classified as likely benign based on ACMG/AMP sequence variant interpretation guidelines (Richards et al. 2015 PMID: 25741868, with internal and published modifications).

NM_002421.4(MMP1):c.784C>A (p.Arg262Ser)

Gene: MMP1 (matrix metallopeptidase 1; minus strand). Cytogenetic location: 11q22.2.
Variant type: single nucleotide variant.
Coding change: c.784C>A on transcript NM_002421.4 (MANE Select); coding-DNA position 784, C replaced by A.
Protein change: p.Arg262Ser; replaces arginine 262 with serine.
Molecular consequence: missense variant.
Genome position (GRCh38, 1-based): chr11:102,795,289, G>T on the plus strand (C>A on the coding strand, the complement: MMP1 is on the minus strand). VCF-style: chr11-102795289-G-T. GRCh37 (hg19) VCF-style: chr11-102666020-G-T.
Other names: c.586C>A, p.Arg196Ser (NM_001145938.2); short protein forms R196S, R262S.
Identifiers: ClinVar variation 3044498 (VCV003044498.2), dbSNP rs12282811, ClinGen allele CA6250519.